The following is an entry in ClinVar:

ClinVar aggregate classification (germline): Likely benign (0 of 4 stars; one submission).

Conditions:
NOS3-related disorder. Also called: NOS3-related condition.

Allele frequency attached by ClinVar (database versions not stated): gnomAD exomes 0.00001; ExAC 0.00003; 1000 Genomes Project 30x 0.00016; gnomAD 0.00017; TOPMed 0.00017; 1000 Genomes Project 0.00020.
gnomAD v4.1: 36 of 1,610,986 alleles (0.0022%); highest among the groups gnomAD compares: African/African-American, 0.045%; no homozygotes.

Submission:

PreventionGenetics, part of Exact Sciences
Classification: Likely benign for NOS3-related condition. Last evaluated: 2020-02-26. Review status: no assertion criteria provided. Collection method: clinical testing. Allele origin: germline.
Comment: This variant is classified as likely benign based on ACMG/AMP sequence variant interpretation guidelines (Richards et al. 2015 PMID: 25741868, with internal and published modifications).

NM_000603.5(NOS3):c.982C>T (p.Leu328=)

Gene: NOS3 (nitric oxide synthase 3; plus strand). Cytogenetic location: 7q36.1.
Variant type: single nucleotide variant.
Coding change: c.982C>T on transcript NM_000603.5 (MANE Select); coding-DNA position 982, C replaced by T.
Protein change: p.Leu328=; no amino-acid change (leucine 328 retained).
Molecular consequence: synonymous variant.
Genome position (GRCh38, 1-based): chr7:150,999,215, C>T. VCF-style: chr7-150999215-C-T. GRCh37 (hg19) VCF-style: chr7-150696303-C-T.
Other names: c.982C>T, p.Leu328= (NM_001160109.2, NM_001160110.1, NM_001160111.1).
Identifiers: ClinVar variation 3051485 (VCV003051485.2), dbSNP rs184222022, ClinGen allele CA4566833.